The following is an entry in ClinVar:

NM_001458.5(FLNC):c.6715C>T (p.Arg2239Trp)

Genes: FLNC (filamin C; plus strand), FLNC-AS1 (FLNC antisense RNA 1; minus strand). Cytogenetic location: 7q32.1.
Variant type: single nucleotide variant.
Coding change: c.6715C>T on transcript NM_001458.5 (MANE Select); coding-DNA position 6715, C replaced by T.
Protein change: p.Arg2239Trp; replaces arginine 2239 with tryptophan.
Molecular consequence: missense variant.
Genome position (GRCh38, 1-based): chr7:128,854,204, C>T. VCF-style: chr7-128854204-C-T. GRCh37 (hg19) VCF-style: chr7-128494258-C-T.
Other names: c.6616C>T, p.Arg2206Trp (NM_001127487.2); short protein forms R2239W, R2206W.
Identifiers: ClinVar variation 665727 (VCV000665727.18), dbSNP rs367820987, ClinGen allele CA4476054.

ClinVar aggregate classification (germline): Conflicting classifications of pathogenicity. Review status: criteria provided, conflicting classifications (1 of 4 stars). 8 submissions from 8 submitters: Uncertain significance (5); Likely benign (3). Last evaluated 2026-02-01.

Conditions:
Cardiovascular phenotype. Identifiers: MedGen CN230736.
FLNC-related disorder. Also called: FLNC-related disorders; FLNC-related condition.
Myofibrillar myopathy 5. Also called: Filaminopathy (type); FILAMINOPATHY, AUTOSOMAL DOMINANT. Identifiers: Orphanet 171445, MedGen C1836050, MONDO:0012289, OMIM 609524.
Hypertrophic cardiomyopathy 26. Also called: Cardiomyopathy, familial hypertrophic, 26. Identifiers: Orphanet 75249, MedGen C4310749, MONDO:0014883, OMIM 617047.
Distal myopathy with posterior leg and anterior hand involvement. Also called: WILLIAMS DISTAL MYOPATHY. Identifiers: Orphanet 63273, MedGen C3279722, MONDO:0013550, OMIM 614065.

Allele frequency attached by ClinVar (database versions not stated): gnomAD 0.00003; gnomAD exomes 0.00004 and 0.00005; ExAC 0.00005; ESP Exome Variant Server 0.00008; TOPMed 0.00010.
gnomAD v4.1: 93 of 1,607,336 alleles (0.0058%); highest among the groups gnomAD compares: Non-Finnish European, 0.0067%; no homozygotes.

Submissions (8):

Labcorp Genetics (formerly Invitae), Labcorp
Classification: Likely benign for Distal myopathy with posterior leg and anterior hand involvement; Myofibrillar myopathy 5; Hypertrophic cardiomyopathy 26. Last evaluated: 2026-02-01. Review status: criteria provided, single submitter. Criteria: Invitae Variant Classification Sherloc (09022015). Collection method: clinical testing. Allele origin: germline.

PreventionGenetics, part of Exact Sciences
Classification: Uncertain significance for FLNC-related condition. Last evaluated: 2025-09-11. Review status: criteria provided, single submitter. Criteria: ACMG Guidelines, 2015. Collection method: clinical testing. Allele origin: germline.
Comment: The FLNC c.6715C>T variant is predicted to result in the amino acid substitution p.Arg2239Trp. This variant has been reported in an individual with sudden cardiac arrest who also carried an additional variant in the SCN5A gene (Table S6, Stępień-Wojno et al. 2018. PubMed ID: 30403391). This variant is reported in 0.010% of alleles in individuals of Ashkenazi Jewish descent in gnomAD. Although we suspect that this variant may be benign, at this time, the clinical significance of this variant is uncertain due to the absence of conclusive functional and genetic evidence.

Revvity Omics, Revvity
Classification: Uncertain significance. Last evaluated: 2025-04-15. Review status: criteria provided, single submitter. Criteria: ACMG Guidelines, 2015. Collection method: clinical testing. Allele origin: germline.

Molecular Diagnostic Laboratory for Inherited Cardiovascular Disease, Montreal Heart Institute
Classification: Uncertain significance for Cardiovascular phenotype. Last evaluated: 2025-04-09. Review status: criteria provided, single submitter. Criteria: ACMG Guidelines, 2015. Collection method: clinical testing. Allele origin: germline. Affected: yes.

Laboratory of Genetics, Children's Clinical University Hospital Latvia
Classification: Likely benign. Last evaluated: 2025-02-16. Review status: criteria provided, single submitter. Criteria: ACMG Guidelines, 2015. Collection method: clinical testing. Allele origin: germline. Affected: yes.

Blueprint Genetics
Classification: Likely benign. Last evaluated: 2024-09-18. Review status: criteria provided, single submitter. Criteria: ACMG Guidelines, 2015. Collection method: clinical testing. Allele origin: germline.

Ambry Genetics
Classification: Uncertain significance for Cardiovascular phenotype. Last evaluated: 2024-01-02. Review status: criteria provided, single submitter. Criteria: Ambry Variant Classification Scheme 2023. Collection method: clinical testing. Allele origin: germline.
Comment: The p.R2239W variant (also known as c.6715C>T), located in coding exon 40 of the FLNC gene, results from a C to T substitution at nucleotide position 6715. The arginine at codon 2239 is replaced by tryptophan, an amino acid with dissimilar properties. This alteration has been reported in a sudden cardiac arrest cohort; however, clinical details were limited and an additional alteration in a cardiac-related gene was identified (Stpie-Wojno M et al. Pol Arch Intern Med, 2018 12;128:721-730). This amino acid position is well conserved in available vertebrate species. In addition, the in silico prediction for this alteration is inconclusive. Since supporting evidence is limited at this time, the clinical significance of this alteration remains unclear.

GeneDx
Classification: Uncertain significance. Last evaluated: 2019-08-20. Review status: criteria provided, single submitter. Criteria: GeneDx Variant Classification Process June 2021. Collection method: clinical testing. Allele origin: germline. Affected: yes.
Comment: Has not been previously published as pathogenic or benign to our knowledge; In silico analysis, which includes protein predictors and evolutionary conservation, supports that this variant does not alter protein structure/function; This variant is associated with the following publications: (PMID: 30403391)

Literature cited by the submitters: PubMed 30403391 (cited by Ambry Genetics).